The following is an entry in ClinVar:

NM_012330.4(KAT6B):c.2652A>C (p.Glu884Asp)

Gene: KAT6B (lysine acetyltransferase 6B; plus strand). Cytogenetic location: 10q22.2.
Variant type: single nucleotide variant.
Coding change: c.2652A>C on transcript NM_012330.4 (MANE Select); coding-DNA position 2652, A replaced by C.
Protein change: p.Glu884Asp; replaces glutamic acid 884 with aspartic acid.
Molecular consequence: missense variant.
Genome position (GRCh38, 1-based): chr10:75,020,604, A>C. VCF-style: chr10-75020604-A-C. GRCh37 (hg19) VCF-style: chr10-76780362-A-C.
Other names: c.1587A>C, p.Glu529Asp (NM_001370143.1, NM_001370144.1); c.2103A>C, p.Glu701Asp (NM_001370138.1, NM_001256468.2); c.1776A>C, p.Glu592Asp (NM_001370139.1, NM_001370140.1, NM_001370141.1 and 2 more transcripts); c.1614A>C, p.Glu538Asp (NM_001370132.1); c.963A>C, p.Glu321Asp (NM_001370133.1); c.567A>C, p.Glu189Asp (NM_001370134.1); c.309A>C, p.Glu103Asp (NM_001370135.1); c.2652A>C, p.Glu884Asp (NM_001370136.1, NM_001370137.1); short protein forms E103D, E538D, E189D, E529D, E321D, E701D, E884D, E592D.
Identifiers: ClinVar variation 3680944 (VCV003680944.2).

ClinVar aggregate classification (germline): Uncertain significance (1 of 4 stars; one submission).

Conditions:
Genitopatellar syndrome (GTPTS). Also called: ABSENT PATELLAE, SCROTAL HYPOPLASIA, RENAL ANOMALIES, FACIAL DYSMORPHISM, AND MENTAL RETARDATION; Genitopatellar syndrome (GPS). Identifiers: Orphanet 85201, MedGen C1853566, MONDO:0011640, OMIM 606170.

Submission:

Labcorp Genetics (formerly Invitae), Labcorp
Classification: Uncertain significance for Genitopatellar syndrome. Last evaluated: 2025-01-09. Review status: criteria provided, single submitter. Criteria: Invitae Variant Classification Sherloc (09022015). Collection method: clinical testing. Allele origin: germline.
Comment: This sequence change replaces glutamic acid, which is acidic and polar, with aspartic acid, which is acidic and polar, at codon 884 of the KAT6B protein (p.Glu884Asp). This variant is not present in population databases (gnomAD no frequency). This variant has not been reported in the literature in individuals affected with KAT6B-related conditions. Invitae Evidence Modeling of protein sequence and biophysical properties (such as structural, functional, and spatial information, amino acid conservation, physicochemical variation, residue mobility, and thermodynamic stability) has been performed for this missense variant. However, the output from this modeling did not meet the statistical confidence thresholds required to predict the impact of this variant on KAT6B protein function. In summary, the available evidence is currently insufficient to determine the role of this variant in disease. Therefore, it has been classified as a Variant of Uncertain Significance.